The following is an entry in ClinVar:

ClinVar aggregate classification (germline): Uncertain significance (1 of 4 stars; one submission).

Conditions:
Acrocallosal syndrome (ACLS). Also called: HALLUX DUPLICATION, POSTAXIAL POLYDACTYLY, AND ABSENCE OF CORPUS CALLOSUM; Schinzel syndrome 1; Absence of corpus callosum with unusual facial appearance, mental deficiency, duplication of the halluces and polydactyly. Identifiers: Orphanet 36, MedGen C0796147, MONDO:0008708, OMIM 200990.

Submission:

Labcorp Genetics (formerly Invitae), Labcorp
Classification: Uncertain significance for Acrocallosal syndrome. Last evaluated: 2024-02-06. Review status: criteria provided, single submitter. Criteria: Invitae Variant Classification Sherloc (09022015). Collection method: clinical testing. Allele origin: germline.
Comment: This sequence change replaces glutamic acid, which is acidic and polar, with glutamine, which is neutral and polar, at codon 669 of the KIF7 protein (p.Glu669Gln). This variant is not present in population databases (gnomAD no frequency). This variant has not been reported in the literature in individuals affected with KIF7-related conditions. Advanced modeling of protein sequence and biophysical properties (such as structural, functional, and spatial information, amino acid conservation, physicochemical variation, residue mobility, and thermodynamic stability) performed at Invitae indicates that this missense variant is not expected to disrupt KIF7 protein function with a negative predictive value of 80%. In summary, the available evidence is currently insufficient to determine the role of this variant in disease. Therefore, it has been classified as a Variant of Uncertain Significance.

NM_198525.3(KIF7):c.2005G>C (p.Glu669Gln)

Gene: KIF7 (kinesin family member 7; minus strand). Cytogenetic location: 15q26.1.
Variant type: single nucleotide variant.
Coding change: c.2005G>C on transcript NM_198525.3 (MANE Select); coding-DNA position 2005, G replaced by C.
Protein change: p.Glu669Gln; replaces glutamic acid 669 with glutamine.
Molecular consequence: missense variant.
Genome position (GRCh38, 1-based): chr15:89,645,369, C>G on the plus strand (G>C on the coding strand, the complement: KIF7 is on the minus strand). VCF-style: chr15-89645369-C-G. GRCh37 (hg19) VCF-style: chr15-90188600-C-G.
Other names: short protein forms E669Q.
Identifiers: ClinVar variation 3639143 (VCV003639143.2).
Genomic context (GRCh38, chr15:89,645,369, plus strand): 5'-GCCCTCTCTGCATCCCACCCAGCTTACCTCTGGACCCTGGAATGGCTGCATCCAACTCCT[C>G]AAGGCAAAGCTCTGGGCCCTTCCTCTCTGGCAGACTCCCTGGGCGTGCCCCCGCCCTCTG-3'
Protein context (NP_940927.2, residues 659-679): PERKGPELCL[Glu669Gln]ELDAAIPGSR